The following is an entry in ClinVar:

ClinVar aggregate classification (germline): Likely benign (1 of 4 stars; one submission).

Conditions:
UNC79-related disorder. Also called: UNC79-related condition.

gnomAD v4.1: 1 of 1,614,170 alleles (0.000062%); highest among the groups gnomAD compares: Non-Finnish European, 0.000085%; no homozygotes.

Submission:

PreventionGenetics, part of Exact Sciences
Classification: Likely benign for UNC79-related condition. Last evaluated: 2025-06-26. Review status: criteria provided, single submitter. Criteria: ACMG Guidelines, 2015. Collection method: clinical testing. Allele origin: germline.
Comment: This variant is classified as likely benign based on ACMG/AMP sequence variant interpretation guidelines (Richards et al. 2015 PMID: 25741868, with internal and published modifications).

NM_001395159.1(UNC79):c.7923+7C>A

Gene: UNC79 (unc-79 subunit of NALCN channel complex; plus strand). Cytogenetic location: 14q32.12.
Variant type: single nucleotide variant.
Coding change: c.7923+7C>A on transcript NM_001395159.1 (MANE Select); 7 bases into the intron after coding-DNA position 7923, C replaced by A.
Molecular consequence: intron variant.
Genome position (GRCh38, 1-based): chr14:93,704,673, C>A. VCF-style: chr14-93704673-C-A. GRCh37 (hg19) VCF-style: chr14-94171019-C-A.
Other names: c.7176+7C>A (NM_020818.5); c.7857+7C>A (NM_001346218.2).
Identifiers: ClinVar variation 4982617 (VCV004982617.1).